The following is an entry in ClinVar:

NM_022552.5(DNMT3A):c.265C>T (p.Pro89Ser)

Gene: DNMT3A (DNA methyltransferase 3 alpha; minus strand). Cytogenetic location: 2p23.3.
Variant type: single nucleotide variant.
Coding change: c.265C>T on transcript NM_022552.5 (MANE Select); coding-DNA position 265, C replaced by T.
Protein change: p.Pro89Ser; replaces proline 89 with serine.
Molecular consequence: missense variant. On other transcripts: non-coding transcript variant (1).
Genome position (GRCh38, 1-based): chr2:25,282,624, G>A on the plus strand (C>T on the coding strand, the complement: DNMT3A is on the minus strand). VCF-style: chr2-25282624-G-A. GRCh37 (hg19) VCF-style: chr2-25505493-G-A.
Other names: c.265C>T, p.Pro89Ser (NM_001320892.2, NM_175629.2, NM_175630.1); short protein forms P89S.
Identifiers: ClinVar variation 1702705 (VCV001702705.4), dbSNP rs2031969934, ClinGen allele CA346084026.

ClinVar aggregate classification (germline): Uncertain significance. Review status: criteria provided, multiple submitters, no conflicts (2 of 4 stars). 2 submissions from 2 submitters: Uncertain significance (2). Last evaluated 2023-08-30.

Conditions:
Tatton-Brown-Rahman overgrowth syndrome. Also called: Tall stature-intellectual disability-facial dysmorphism syndrome; Tatton-Brown-Rahman syndrome. Identifiers: Orphanet 404443, MedGen C4014545, MONDO:0014382, OMIM 615879.

Allele frequency attached by ClinVar (database versions not stated): TOPMed below 0.00001.

Submissions (2):

Labcorp Genetics (formerly Invitae), Labcorp
Classification: Uncertain significance for Tatton-Brown-Rahman overgrowth syndrome. Last evaluated: 2023-08-30. Review status: criteria provided, single submitter. Criteria: Invitae Variant Classification Sherloc (09022015). Collection method: clinical testing. Allele origin: germline.
Comment: In summary, the available evidence is currently insufficient to determine the role of this variant in disease. Therefore, it has been classified as a Variant of Uncertain Significance. An algorithm developed to predict the effect of missense changes on protein structure and function (PolyPhen-2) suggests that this variant¬¨‚Ä†is likely to be tolerated. ClinVar contains an entry for this variant (Variation ID: 1702705). This variant has not been reported in the literature in individuals affected with DNMT3A-related conditions. This variant is not present in population databases (gnomAD no frequency). This sequence change replaces proline, which is neutral and non-polar, with serine, which is neutral and polar, at codon 89 of the DNMT3A protein (p.Pro89Ser).

GeneDx
Classification: Uncertain significance. Last evaluated: 2022-02-20. Review status: criteria provided, single submitter. Criteria: GeneDx Variant Classification Process June 2021. Collection method: clinical testing. Allele origin: germline. Affected: yes.
Comment: Not observed at significant frequency in large population cohorts (gnomAD); In silico analysis supports that this missense variant has a deleterious effect on protein structure/function; Has not been previously published as pathogenic or benign to our knowledge